The following is an entry in ClinVar:

NM_000051.4(ATM):c.4772T>C (p.Leu1591Ser)

Gene: ATM (ATM serine/threonine kinase; plus strand). Cytogenetic location: 11q22.3.
Variant type: single nucleotide variant.
Coding change: c.4772T>C on transcript NM_000051.4 (MANE Select); coding-DNA position 4772, T replaced by C.
Protein change: p.Leu1591Ser; replaces leucine 1591 with serine.
Molecular consequence: missense variant.
Genome position (GRCh38, 1-based): chr11:108,293,473, T>C. VCF-style: chr11-108293473-T-C. GRCh37 (hg19) VCF-style: chr11-108164200-T-C.
Other names: c.4772T>C, p.Leu1591Ser (NM_001351834.2); short protein forms L1591S.
Identifiers: ClinVar variation 628270 (VCV000628270.6), dbSNP rs1565463381, ClinGen allele CA382535199.
Genomic context (GRCh38, chr11:108,293,473, plus strand): 5'-TTAAGGATTTGCGTATTACTCAGCAAAAAATCAAATACAGTAGAGGACCCTTTTCACTCT[T>C]GGAGGTAATAAAAATTTCATCATCTACTATTTTTTATTAGAGAACATAGTAGTACTTTTC-3'
Protein context (NP_000042.3, residues 1581-1601): IKYSRGPFSL[Leu1591Ser]EEINHFLSVS

ClinVar aggregate classification (germline): Uncertain significance. Review status: criteria provided, multiple submitters, no conflicts (2 of 4 stars). 2 submissions from 2 submitters: Uncertain significance (2). Last evaluated 2024-07-09.

Conditions:
Hereditary cancer-predisposing syndrome. Also called: Neoplastic Syndromes, Hereditary; Tumor predisposition; Hereditary neoplastic syndrome; Hereditary Cancer Syndrome. Identifiers: Orphanet 140162, MedGen C0027672, MeSH D009386, MONDO:0015356.

Submissions (2):

Ambry Genetics
Classification: Uncertain significance for Hereditary cancer-predisposing syndrome. Last evaluated: 2024-07-09. Review status: criteria provided, single submitter. Criteria: Ambry Variant Classification Scheme 2023. Collection method: clinical testing. Allele origin: germline.
Comment: The p.L1591S variant (also known as c.4772T>C), located in coding exon 30 of the ATM gene, results from a T to C substitution at nucleotide position 4772. The leucine at codon 1591 is replaced by serine, an amino acid with dissimilar properties. This amino acid position is conserved. In addition, this alteration is predicted to be tolerated by in silico analysis. Based on the available evidence, the clinical significance of this variant remains unclear.

Color Diagnostics, LLC DBA Color Health
Classification: Uncertain significance for Hereditary cancer-predisposing syndrome. Last evaluated: 2023-12-05. Review status: criteria provided, single submitter. Criteria: ACMG Guidelines, 2015. Collection method: clinical testing. Allele origin: germline.
Comment: This missense variant replaces leucine with serine at codon 1591 of the ATM protein. Computational prediction suggests that this variant may not impact protein structure and function (internally defined REVEL score threshold <= 0.5, PMID: 27666373). To our knowledge, functional studies have not been reported for this variant. This variant has not been reported in individuals affected with ATM-related disorders in the literature. This variant has not been identified in the general population by the Genome Aggregation Database (gnomAD). The available evidence is insufficient to determine the role of this variant in disease conclusively. Therefore, this variant is classified as a Variant of Uncertain Significance.